The following is an entry in ClinVar:

ClinVar aggregate classification (germline): Uncertain significance (1 of 4 stars; one submission).

Conditions:
Hyperkalemic periodic paralysis. Also called: Familial hyperkalemic periodic paralysis; Gamstorp disease. Identifiers: Orphanet 682, MedGen C0238357, MONDO:0008224, OMIM 170500, HP:0007215.

gnomAD v4.1: 1 of 1,610,770 alleles (0.000062%); highest among the groups gnomAD compares: South Asian, 0.0011%; no homozygotes.

Submission:

Labcorp Genetics (formerly Invitae), Labcorp
Classification: Uncertain significance for Hyperkalemic periodic paralysis. Last evaluated: 2026-01-19. Review status: criteria provided, single submitter. Criteria: Invitae Variant Classification Sherloc (09022015). Collection method: clinical testing. Allele origin: germline.
Comment: This sequence change replaces tyrosine, which is neutral and polar, with histidine, which is basic and polar, at codon 958 of the SCN4A protein (p.Tyr958His). This variant is not present in population databases (gnomAD no frequency). This variant has not been reported in the literature in individuals affected with SCN4A-related conditions. Invitae Evidence Modeling of protein sequence and biophysical properties (such as structural, functional, and spatial information, amino acid conservation, physicochemical variation, residue mobility, and thermodynamic stability) indicates that this missense variant is not expected to disrupt SCN4A protein function with a negative predictive value of 95%. In summary, the available evidence is currently insufficient to determine the role of this variant in disease. Therefore, it has been classified as a Variant of Uncertain Significance.

NM_000334.4(SCN4A):c.2872T>C (p.Tyr958His)

Genes: GH-LCR (growth hormone locus control region; plus strand), SCN4A (sodium voltage-gated channel alpha subunit 4; minus strand). Cytogenetic location: 17q23.3.
Variant type: single nucleotide variant.
Coding change: c.2872T>C on transcript NM_000334.4 (MANE Select); coding-DNA position 2872, T replaced by C.
Protein change: p.Tyr958His; replaces tyrosine 958 with histidine.
Molecular consequence: missense variant.
Genome position (GRCh38, 1-based): chr17:63,949,510, A>G on the plus strand (T>C on the coding strand, the complement: SCN4A is on the minus strand). VCF-style: chr17-63949510-A-G. GRCh37 (hg19) VCF-style: chr17-62026870-A-G.
Other names: short protein forms Y958H.
Identifiers: ClinVar variation 4747017 (VCV004747017.1).